The following is an entry in ClinVar:

GRCh37/hg19 Xp11.23-11.22(chrX:48310313-52614698)x1

Genes: AKAP4 (A-kinase anchoring protein 4; minus strand), BMP15 (bone morphogenetic protein 15; plus strand), CACNA1F (calcium voltage-gated channel subunit alpha1 F; minus strand), CCDC120 (coiled-coil domain containing 120; plus strand), CCDC22 (CCC complex scaffolding subunit CCDC22; plus strand) and 66 more. Cytogenetic location: Xp11.23-11.22.
Variant type: copy number loss.
Change: copy number 1 of chrX:48,310,313-52,614,698 (4.30 Mb, GRCh37 coordinates, 1-based), cytogenetic band Xp11.23-11.22.
Identifiers: ClinVar variation 219032 (VCV000219032.5).

ClinVar aggregate classification (germline): Pathogenic (1 of 4 stars; one submission).

Submission:

Cytogenetics Laboratory, University of Washington
Classification: Pathogenic. Last evaluated: 2017-09-22. Review status: criteria provided, single submitter. Criteria: UW Cytogenetics and Genomics Laboratory Policy on CNV Interpretation (5/6/2015). Collection method: clinical testing. Allele origin: de novo. Affected: yes. Observed: 1 variant allele.
Comment: Congenital heart defects are not associated with any of the syndromes (that might manifest clinically in females) caused by dosage-sensitive genes within the deleted region (PORCN, EBP, WDR45). The clinical significance of this deletion was therefore uncertain, given the uncertainty of X-inactivation, whether it was skewed in this patient, and which genes escape X-inactivation. However, the pathogenicity of this deletion is not in question. What is uncertain is whether and how it will manifest in this patient.

Literature cited by the submitters: PubMed 19716111.